The following is an entry in ClinVar:

ClinVar aggregate classification (germline): Benign/Likely benign. Review status: criteria provided, multiple submitters, no conflicts (2 of 4 stars). 2 submissions from 2 submitters: Benign (1); Likely benign (1). Last evaluated 2026-07-02.

Conditions:
Sessile serrated polyposis cancer syndrome (SSPCS). Identifiers: Orphanet 157798, MedGen C4310714, MONDO:0014919, OMIM 617108.

gnomAD v4.1: 3 of 1,614,174 alleles (0.00019%); highest among the groups gnomAD compares: Non-Finnish European, 0.00025%; no homozygotes.

Submissions (2):

Myriad Genetics, Inc.
Classification: Benign for Sessile serrated polyposis cancer syndrome. Last evaluated: 2026-07-02. Review status: criteria provided, single submitter. Criteria: Myriad Autosomal Dominant, Autosomal Recessive and X-Linked Classification Criteria (2023). Collection method: clinical testing. Allele origin: unknown.
Comment: This variant is considered benign. This variant is a silent/synonymous amino acid change and it is not expected to impact splicing.

Ambry Genetics
Classification: Likely benign. Last evaluated: 2025-04-20. Review status: criteria provided, single submitter. Criteria: Ambry Variant Classification Scheme 2023. Collection method: clinical testing. Allele origin: germline.

NM_017763.6(RNF43):c.2217A>T (p.Pro739=)

Gene: RNF43 (ring finger protein 43; minus strand). Cytogenetic location: 17q22.
Variant type: single nucleotide variant.
Coding change: c.2217A>T on transcript NM_017763.6 (MANE Select); coding-DNA position 2217, A replaced by T.
Protein change: p.Pro739=; no amino-acid change (proline 739 retained).
Molecular consequence: synonymous variant.
Genome position (GRCh38, 1-based): chr17:58,357,559, T>A on the plus strand (A>T on the coding strand, the complement: RNF43 is on the minus strand). VCF-style: chr17-58357559-T-A. GRCh37 (hg19) VCF-style: chr17-56434920-T-A.
Other names: c.2217A>T, p.Pro739= (NM_001305544.3); c.1836A>T, p.Pro612= (NM_001305545.2).
Identifiers: ClinVar variation 3946868 (VCV003946868.2).